The following is an entry in ClinVar:

ClinVar aggregate classification (germline): Uncertain significance (1 of 4 stars; one submission).

Allele frequency attached by ClinVar (database versions not stated): gnomAD exomes below 0.00001 and 0.00001.

Submission:

Labcorp Genetics (formerly Invitae), Labcorp
Classification: Uncertain significance. Last evaluated: 2022-07-28. Review status: criteria provided, single submitter. Criteria: Invitae Variant Classification Sherloc (09022015). Collection method: clinical testing. Allele origin: germline.
Comment: This sequence change replaces methionine, which is neutral and non-polar, with threonine, which is neutral and polar, at codon 1104 of the SPEG protein (p.Met1104Thr). This variant is present in population databases (no rsID available, gnomAD 0.003%). This variant has not been reported in the literature in individuals affected with SPEG-related conditions. ClinVar contains an entry for this variant (Variation ID: 1473869). Algorithms developed to predict the effect of missense changes on protein structure and function are either unavailable or do not agree on the potential impact of this missense change (SIFT: "Deleterious"; PolyPhen-2: "Benign"; Align-GVGD: "Class C0"). In summary, the available evidence is currently insufficient to determine the role of this variant in disease. Therefore, it has been classified as a Variant of Uncertain Significance.

NM_005876.5(SPEG):c.3311T>C (p.Met1104Thr)

Gene: SPEG (striated muscle enriched protein kinase; plus strand). Cytogenetic location: 2q35.
Variant type: single nucleotide variant.
Coding change: c.3311T>C on transcript NM_005876.5 (MANE Select); coding-DNA position 3311, T replaced by C.
Protein change: p.Met1104Thr; replaces methionine 1104 with threonine.
Molecular consequence: missense variant.
Genome position (GRCh38, 1-based): chr2:219,468,868, T>C. VCF-style: chr2-219468868-T-C. GRCh37 (hg19) VCF-style: chr2-220333590-T-C.
Other names: short protein forms M1104T.
Identifiers: ClinVar variation 1473869 (VCV001473869.3), dbSNP rs1416723203, ClinGen allele CA350746298.
Genomic context (GRCh38, chr2:219,468,868, plus strand): 5'-GCAGGGCCCCTCACTGTGCCTGCTCTGCATTCCCACCCCTCCTTTCTGCAGGCTGCCCCA[T>C]GGAGGAGAGTGAGAACTTGCGGCTGCGGCAGGACGGGGGTCTGCACTCACTGCACATTGC-3'
Protein context (NP_005867.3, residues 1094-1114): VVTWTHFGCP[Met1104Thr]EESENLRLRQ